The following is an entry in ClinVar:

NM_015909.4(NBAS):c.472G>T (p.Val158Leu)

Gene: NBAS (NBAS subunit of NRZ tethering complex; minus strand). Cytogenetic location: 2p24.3.
Variant type: single nucleotide variant.
Coding change: c.472G>T on transcript NM_015909.4 (MANE Select); coding-DNA position 472, G replaced by T.
Protein change: p.Val158Leu; replaces valine 158 with leucine.
Molecular consequence: missense variant. On other transcripts: non-coding transcript variant (1).
Genome position (GRCh38, 1-based): chr2:15,539,264, C>A on the plus strand (G>T on the coding strand, the complement: NBAS is on the minus strand). VCF-style: chr2-15539264-C-A. GRCh37 (hg19) VCF-style: chr2-15679388-C-A.
Other names: short protein forms V158L.
Identifiers: ClinVar variation 1952490 (VCV001952490.5), dbSNP rs370266917, ClinGen allele CA345887874.

ClinVar aggregate classification (germline): Uncertain significance (1 of 4 stars; one submission).

gnomAD v4.1: 1 of 1,614,204 alleles (0.000062%); highest among the groups gnomAD compares: Admixed American, 0.0017%; no homozygotes.

Submission:

Labcorp Genetics (formerly Invitae), Labcorp
Classification: Uncertain significance. Last evaluated: 2022-05-28. Review status: criteria provided, single submitter. Criteria: Invitae Variant Classification Sherloc (09022015). Collection method: clinical testing. Allele origin: germline.
Comment: Algorithms developed to predict the effect of missense changes on protein structure and function are either unavailable or do not agree on the potential impact of this missense change (SIFT: "Deleterious"; PolyPhen-2: "Benign"; Align-GVGD: "Class C25"). This sequence change replaces valine, which is neutral and non-polar, with leucine, which is neutral and non-polar, at codon 158 of the NBAS protein (p.Val158Leu). This variant is present in population databases (no rsID available, gnomAD 0.003%). This variant has not been reported in the literature in individuals affected with NBAS-related conditions. In summary, the available evidence is currently insufficient to determine the role of this variant in disease. Therefore, it has been classified as a Variant of Uncertain Significance.